The following is an entry in ClinVar:

ClinVar aggregate classification (germline): Benign (1 of 4 stars; one submission).

Conditions:
Osteogenesis imperfecta type 10 (OI10). Also called: OI, TYPE X. Identifiers: Orphanet 666, MedGen C3151211, MONDO:0013459, OMIM 613848.

Allele frequency attached by ClinVar (database versions not stated): gnomAD exomes 0.00425; gnomAD 0.02704 and 0.02893; TOPMed 0.02971; 1000 Genomes Project 0.03295; 1000 Genomes Project 30x 0.03451.
gnomAD v4.1: 4,218 of 189,186 alleles (2.2%); highest among the groups gnomAD compares: African/African-American, 9.2%; 201 homozygotes.

Submission:

Illumina Laboratory Services, Illumina
Classification: Benign for Osteogenesis imperfecta type 10. Last evaluated: 2018-01-13. Review status: criteria provided, single submitter. Criteria: ICSL Variant Classification Criteria 13 December 2019. Collection method: clinical testing. Allele origin: germline.
Comment: This variant was observed in the ICSL laboratory as part of a predisposition screen in an ostensibly healthy population. It had not been previously curated by ICSL or reported in the Human Gene Mutation Database (HGMD: prior to June 1st, 2018), and was therefore a candidate for classification through an automated scoring system. Utilizing variant allele frequency, disease prevalence and penetrance estimates, and inheritance mode, an automated score was calculated to assess if this variant is too frequent to cause the disease. Based on the score and internal cut-off values, a variant classified as benign is not then subjected to further curation. The score for this variant resulted in a classification of benign for this disease.

NM_001235.5(SERPINH1):c.*490G>A

Gene: SERPINH1 (serpin family H member 1; plus strand). Cytogenetic location: 11q13.5.
Variant type: single nucleotide variant.
Coding change: c.*490G>A on transcript NM_001235.5 (MANE Select); 490 bases downstream of the stop codon, G replaced by A.
Molecular consequence: 3 prime UTR variant.
Genome position (GRCh38, 1-based): chr11:75,572,573, G>A. VCF-style: chr11-75572573-G-A. GRCh37 (hg19) VCF-style: chr11-75283618-G-A.
Other names: c.*490G>A (NM_001207014.3).
Identifiers: ClinVar variation 306119 (VCV000306119.5), dbSNP rs12978, ClinGen allele CA10631538.